The following is an entry in ClinVar:

NM_001134363.3(RBM20):c.3452G>C (p.Gly1151Ala)

Gene: RBM20 (RNA binding motif protein 20; plus strand). Cytogenetic location: 10q25.2.
Variant type: single nucleotide variant.
Coding change: c.3452G>C on transcript NM_001134363.3 (MANE Select); coding-DNA position 3452, G replaced by C.
Protein change: p.Gly1151Ala; replaces glycine 1151 with alanine.
Molecular consequence: missense variant.
Genome position (GRCh38, 1-based): chr10:110,831,061, G>C. VCF-style: chr10-110831061-G-C. GRCh37 (hg19) VCF-style: chr10-112590819-G-C.
Other names: c.3452G>C (NM_001134363.1); short protein forms G1151A.
Identifiers: ClinVar variation 520538 (VCV000520538.11), dbSNP rs1185476843, ClinGen allele CA378386320.

ClinVar aggregate classification (germline): Uncertain significance. Review status: criteria provided, multiple submitters, no conflicts (2 of 4 stars). 4 submissions from 4 submitters: Uncertain significance (4). Last evaluated 2026-03-27.

Conditions:
Cardiovascular phenotype. Identifiers: MedGen CN230736.
Dilated cardiomyopathy 1DD (CMD1DD). Identifiers: Orphanet 154, MedGen C2750995, MONDO:0013168, OMIM 613172.

Allele frequency attached by ClinVar (database versions not stated): TOPMed 0.00001; gnomAD exomes below 0.00001; gnomAD 0.00001.
gnomAD v4.1: 5 of 1,550,156 alleles (0.00032%); highest among the groups gnomAD compares: African/African-American, 0.0014%; no homozygotes.

Submissions (4):

Molecular Diagnostic Laboratory for Inherited Cardiovascular Disease, Montreal Heart Institute
Classification: Uncertain significance for Cardiovascular phenotype. Last evaluated: 2026-03-27. Review status: criteria provided, single submitter. Criteria: ACMG Guidelines, 2015. Collection method: clinical testing. Allele origin: germline. Affected: yes.
Comment: PM2, PP3

GeneDx
Classification: Uncertain significance. Last evaluated: 2025-06-05. Review status: criteria provided, single submitter. Criteria: GeneDx Variant Classification Process June 2021. Collection method: clinical testing. Allele origin: germline. Affected: yes.
Comment: Not observed at significant frequency in large population cohorts (gnomAD); In silico analysis supports that this missense variant has a deleterious effect on protein structure/function; Has not been previously published as pathogenic or benign to our knowledge

Ambry Genetics
Classification: Uncertain significance for Cardiovascular phenotype. Last evaluated: 2024-11-27. Review status: criteria provided, single submitter. Criteria: Ambry Variant Classification Scheme 2023. Collection method: clinical testing. Allele origin: germline.
Comment: The p.G1151A variant (also known as c.3452G>C) is located in coding exon 13 of the RBM20 gene. The glycine at codon 1151 is replaced by alanine, an amino acid with similar properties. This change occurs in the first base pair of coding exon 13. This amino acid position is conserved. In addition, this alteration is predicted to be deleterious by in silico analysis. Based on the available evidence, the clinical significance of this variant remains unclear.

Labcorp Genetics (formerly Invitae), Labcorp
Classification: Uncertain significance for Dilated cardiomyopathy 1DD. Last evaluated: 2023-09-26. Review status: criteria provided, single submitter. Criteria: Invitae Variant Classification Sherloc (09022015). Collection method: clinical testing. Allele origin: germline.
Comment: ClinVar contains an entry for this variant (Variation ID: 520538). An algorithm developed to predict the effect of missense changes on protein structure and function (PolyPhen-2) suggests that this variant is likely to be disruptive. In summary, the available evidence is currently insufficient to determine the role of this variant in disease. Therefore, it has been classified as a Variant of Uncertain Significance. This variant has not been reported in the literature in individuals affected with RBM20-related conditions. This variant is not present in population databases (gnomAD no frequency). This sequence change replaces glycine, which is neutral and non-polar, with alanine, which is neutral and non-polar, at codon 1151 of the RBM20 protein (p.Gly1151Ala).